The following is an entry in ClinVar:

ClinVar aggregate classification (germline): Uncertain significance (1 of 4 stars; one submission).

Conditions:
PEX1-related disorder. Also called: PEX1-related condition.

Submission:

PreventionGenetics, part of Exact Sciences
Classification: Uncertain significance for PEX1-related condition. Last evaluated: 2026-05-14. Review status: criteria provided, single submitter. Criteria: ACMG Guidelines, 2015. Collection method: clinical testing. Allele origin: germline.
Comment: The PEX1 c.2139G>C variant is predicted to result in the amino acid substitution p.Gln713His. To our knowledge, this variant has not been reported in the literature. This variant is reported in 0.0029% of alleles in individuals of Latino descent in gnomAD. At this time, the clinical significance of this variant is uncertain due to the absence of conclusive functional and genetic evidence.

NM_000466.3(PEX1):c.2139G>C (p.Gln713His)

Gene: PEX1 (peroxisomal biogenesis factor 1; minus strand). Cytogenetic location: 7q21.2.
Variant type: single nucleotide variant.
Coding change: c.2139G>C on transcript NM_000466.3 (MANE Select); coding-DNA position 2139, G replaced by C.
Protein change: p.Gln713His; replaces glutamine 713 with histidine.
Molecular consequence: missense variant.
Genome position (GRCh38, 1-based): chr7:92,503,128, C>G on the plus strand (G>C on the coding strand, the complement: PEX1 is on the minus strand). VCF-style: chr7-92503128-C-G. GRCh37 (hg19) VCF-style: chr7-92132442-C-G.
Other names: c.1968G>C, p.Gln656His (NM_001282677.2); c.1515G>C, p.Gln505His (NM_001282678.2); short protein forms Q505H, Q656H, Q713H.
Identifiers: ClinVar variation 4987048 (VCV004987048.1).